The following is an entry in ClinVar:

NM_004360.5(CDH1):c.710C>A (p.Ser237Tyr)

Gene: CDH1 (cadherin 1; plus strand). Cytogenetic location: 16q22.1.
Variant type: single nucleotide variant.
Coding change: c.710C>A on transcript NM_004360.5 (MANE Select); coding-DNA position 710, C replaced by A.
Protein change: p.Ser237Tyr; replaces serine 237 with tyrosine.
Molecular consequence: missense variant. On other transcripts: 5 prime UTR variant (2).
Genome position (GRCh38, 1-based): chr16:68,810,219, C>A. VCF-style: chr16-68810219-C-A. GRCh37 (hg19) VCF-style: chr16-68844122-C-A.
Other names: c.710C>A, p.Ser237Tyr (NM_001317184.2); c.-906C>A (NM_001317185.2); c.-1110C>A (NM_001317186.2); short protein forms S237Y.
Identifiers: ClinVar variation 5033855 (VCV005033855.1).
Genomic context (GRCh38, chr16:68,810,219, plus strand): 5'-TCATCAGAGCTCAAGTCACCCTCACTTGGTTCTTTCAGCTCTTCTCTCACGCTGTGTCAT[C>A]CAACGGGAATGCAGTTGAGGATCCAATGGAGATTTTGATCACGGTAACCGATCAGAATGA-3'
Protein context (NP_004351.1, residues 227-247): TYTLFSHAVS[Ser237Tyr]NGNAVEDPME

ClinVar aggregate classification (germline): Uncertain significance (1 of 4 stars; one submission).

Conditions:
Hereditary cancer-predisposing syndrome. Also called: Neoplastic Syndromes, Hereditary; Tumor predisposition; Hereditary neoplastic syndrome; Hereditary Cancer Syndrome. Identifiers: Orphanet 140162, MedGen C0027672, MeSH D009386, MONDO:0015356.

Submission:

Ambry Genetics
Classification: Uncertain significance for Hereditary cancer-predisposing syndrome. Last evaluated: 2026-07-06. Review status: criteria provided, single submitter. Criteria: Ambry Variant Classification Scheme 2023. Collection method: clinical testing. Allele origin: germline.
Comment: The p.S237Y variant (also known as c.710C>A), located in coding exon 6 of the CDH1 gene, results from a C to A substitution at nucleotide position 710. The serine at codon 237 is replaced by tyrosine, an amino acid with dissimilar properties. This amino acid position is conserved. In addition, this alteration is predicted to be tolerated by in silico analysis. Based on the available evidence, the clinical significance of this variant remains unclear.